The following is an entry in ClinVar:

NM_001145809.2(MYH14):c.2299_2304del (p.Arg767_Ile768del)

Gene: MYH14 (myosin heavy chain 14; plus strand). Cytogenetic location: 19q13.33.
Variant type: Deletion.
Coding change: c.2299_2304del on transcript NM_001145809.2 (MANE Select); coding-DNA positions 2299 to 2304, 6 bases deleted (CGCATC; older notation c.2299_2304delCGCATC).
Protein change: p.Arg767_Ile768del.
Genome position (GRCh38, 1-based): chr19:50,259,210-50,259,215, CGCATC deleted; deleting any 6 consecutive bases within chr19:50,259,205-50,259,215 gives the same sequence; the c. name uses the placement nearest the transcript's 3' end. VCF-style (leftmost placement, unchanged base first): chr19-50259204-GGCATCC-G. GRCh37 (hg19) VCF-style: chr19-50762461-GGCATCC-G.
Other names: c.2200_2205del, p.Arg734_Ile735del (NM_001077186.2); c.2176_2181del, p.Arg726_Ile727del (NM_024729.4).
Identifiers: ClinVar variation 4804172 (VCV004804172.1).

ClinVar aggregate classification (germline): Uncertain significance (1 of 4 stars; one submission).

Submission:

Labcorp Genetics (formerly Invitae), Labcorp
Classification: Uncertain significance. Last evaluated: 2025-08-18. Review status: criteria provided, single submitter. Criteria: Invitae Variant Classification Sherloc (09022015). Collection method: clinical testing. Allele origin: germline.
Comment: This variant, c.2176_2181del, results in the deletion of 2 amino acid(s) of the MYH14 protein (p.Arg726_Ile727del), but otherwise preserves the integrity of the reading frame. This variant is not present in population databases (gnomAD no frequency). This variant has not been reported in the literature in individuals affected with MYH14-related conditions. Experimental studies and prediction algorithms are not available or were not evaluated, and the functional significance of this variant is currently unknown. This variant disrupts a region of the MYH14 protein in which other variant(s) (p.Arg726Cys) have been observed in individuals with MYH14-related conditions (internal data). This suggests that this is a clinically significant region of the protein, and that variants that disrupt it are likely to be disease-causing. In summary, the available evidence is currently insufficient to determine the role of this variant in disease. Therefore, it has been classified as a Variant of Uncertain Significance.